The following is an entry in ClinVar:

ClinVar aggregate classification (germline): Pathogenic/Likely pathogenic. Review status: criteria provided, multiple submitters, no conflicts (2 of 4 stars). 3 submissions from 3 submitters: Pathogenic (1); Likely pathogenic (1). 1 of the submissions does not count toward it. Last evaluated 2026-01-12.

Conditions:
Metaphyseal chondrodysplasia, Schmid type (MCDS). Also called: SPONDYLOMETAPHYSEAL DYSPLASIA, JAPANESE TYPE. Identifiers: Orphanet 174, MedGen C0265289, MONDO:0007983, OMIM 156500.

Submissions (3):

3billion
Classification: Likely pathogenic for Metaphyseal chondrodysplasia, Schmid type. Last evaluated: 2026-01-12. Review status: criteria provided, single submitter. Criteria: ACMG Guidelines, 2015. Collection method: clinical testing. Allele origin: germline. Affected: yes.
Comment: The variant is not observed in the gnomAD v4.1.0 dataset. Predicted Consequence/Location: Stop-gained (nonsense): predicted to result in a loss or disruption of normal protein function through protein truncation. The predicted truncated protein may be shortened by less than 10%. The variant has been reported to be associated with COL10A1-related disorder (ClinVar ID: VCV001047790 /PMID: 8004099).The variant has been previously reported as assumed (i.e. paternity and maternity not confirmed) de novo in at least one similarly affected unrelated individual (PMID: 8004099). Therefore, this variant is classified as Likely pathogenic according to the recommendation of ACMG/AMP guideline.

Labcorp Genetics (formerly Invitae), Labcorp
Classification: Pathogenic. Last evaluated: 2023-12-19. Review status: criteria provided, single submitter. Criteria: Invitae Variant Classification Sherloc (09022015). Collection method: clinical testing. Allele origin: germline.
Comment: This sequence change creates a premature translational stop signal (p.Ser665*) in the COL10A1 gene. While this is not anticipated to result in nonsense mediated decay, it is expected to disrupt the last 16 amino acid(s) of the COL10A1 protein. This variant is not present in population databases (gnomAD no frequency). This premature translational stop signal has been observed in individuals with clinical features of autosomal dominant metaphyseal chondrodysplasia, Schmid type (PMID: 8004099; Invitae). This variant is also known as 1992delCT. This variant is located in a region of the COL10A1 protein where a significant number of COL10A1 nonsense and frameshift mutations have been reported in association with autosomal dominant metaphyseal chondrodysplasia (PMID: 21447328, 33764685, 36400164). For these reasons, this variant has been classified as Pathogenic.

OMIM
Classification: Pathogenic for METAPHYSEAL CHONDRODYSPLASIA, SCHMID TYPE. Last evaluated: 1994-02-01. Review status: no assertion criteria provided. Collection method: literature only. Allele origin: germline. Not counted in ClinVar's aggregate classification.

Literature cited by the submitters: PubMed 8004099 (cited by 3 submitters); PubMed 21447328 (cited by Labcorp Genetics (formerly Invitae), Labcorp); PubMed 33764685 (cited by Labcorp Genetics (formerly Invitae), Labcorp); PubMed 36400164 (cited by Labcorp Genetics (formerly Invitae), Labcorp).

NM_000493.4(COL10A1):c.1994_1995del (p.Ser664_Ser665insTer)

Genes: COL10A1 (collagen type X alpha 1 chain; minus strand), NT5DC1 (5'-nucleotidase domain containing 1; plus strand). Cytogenetic location: 6q22.1.
Variant type: Microsatellite.
Coding change: c.1994_1995del on transcript NM_000493.4 (MANE Select); coding-DNA positions 1994 to 1995, 2 bases deleted (CT; older notation c.1994_1995delCT).
Protein change: p.Ser664_Ser665insTer.
Molecular consequence: nonsense. On other transcripts: intron variant (1).
Genome position (GRCh38, 1-based): chr6:116,120,121-116,120,122, AG deleted on the plus strand (CT on the coding strand, the reverse complement: COL10A1 is on the minus strand); deleting any 2 consecutive bases within chr6:116,120,121-116,120,124 gives the same sequence; the c. name uses the placement nearest the transcript's 3' end. VCF-style (leftmost placement, unchanged base first): chr6-116120120-CAG-C. GRCh37 (hg19) VCF-style: chr6-116441283-CAG-C.
Other names: c.1994_1995del, p.Ser664_Ser665insTer (NM_001424106.1, NM_001424107.1); c.529+2178_529+2179del (NM_152729.3).
Identifiers: ClinVar variation 1047790 (VCV001047790.11), dbSNP rs1779064401, ClinGen allele CA1657093189.
Genomic context (GRCh38, chr6:116,120,120, plus strand): 5'-GCTCTGTGTGTACTCACATTGGAGCCACTAGGAATCCTGAGAAAGAGGAGTGGACATACT[CAG>C]AGGAGTATAGGCCATTTGACTCGGCATTGGGAAGCTGGAGCCACACCTGGTCATTTTCTG-3'